The following is an entry in ClinVar:

ClinVar aggregate classification (germline): Uncertain significance (1 of 4 stars; one submission).

gnomAD v4.1: 2 of 1,608,176 alleles (0.00012%); highest among the groups gnomAD compares: Non-Finnish European, 0.00017%; no homozygotes.

Submission:

GeneDx
Classification: Uncertain significance. Last evaluated: 2023-11-09. Review status: criteria provided, single submitter. Criteria: GeneDx Variant Classification Process June 2021. Collection method: clinical testing. Allele origin: germline. Affected: yes.
Comment: Not observed at significant frequency in large population cohorts (gnomAD); In silico analysis supports that this missense variant has a deleterious effect on protein structure/function; Has not been previously published as pathogenic or benign to our knowledge

NM_021096.4(CACNA1I):c.494A>G (p.Tyr165Cys)

Gene: CACNA1I (calcium voltage-gated channel subunit alpha1 I; plus strand). Cytogenetic location: 22q13.1.
Variant type: single nucleotide variant.
Coding change: c.494A>G on transcript NM_021096.4 (MANE Select); coding-DNA position 494, A replaced by G.
Protein change: p.Tyr165Cys; replaces tyrosine 165 with cysteine.
Molecular consequence: missense variant.
Genome position (GRCh38, 1-based): chr22:39,619,321, A>G. VCF-style: chr22-39619321-A-G. GRCh37 (hg19) VCF-style: chr22-40015326-A-G.
Other names: c.494A>G, p.Tyr165Cys (NM_001003406.2); short protein forms Y165C.
Identifiers: ClinVar variation 3363982 (VCV003363982.1).